The following is an entry in ClinVar:

NM_001001563.5(TIMM50):c.920C>T (p.Pro307Leu)

Gene: TIMM50 (translocase of inner mitochondrial membrane 50; plus strand). Cytogenetic location: 19q13.2.
Variant type: single nucleotide variant.
Coding change: c.920C>T on transcript NM_001001563.5 (MANE Select); coding-DNA position 920, C replaced by T.
Protein change: p.Pro307Leu; replaces proline 307 with leucine.
Molecular consequence: missense variant.
Genome position (GRCh38, 1-based): chr19:39,488,605, C>T. VCF-style: chr19-39488605-C-T. GRCh37 (hg19) VCF-style: chr19-39979245-C-T.
Other names: c.581C>T, p.Pro194Leu (NM_001329559.2); short protein forms P307L, P194L.
Identifiers: ClinVar variation 1414585 (VCV001414585.6), dbSNP rs751967415, ClinGen allele CA9432010.
Genomic context (GRCh38, chr19:39,488,605, plus strand): 5'-CACTGAATGGTGTGGAGGACGTGCGAACCGTGCTGGAGCACTATGCCCTGGAGGATGACC[C>T]GCTGGCGGCTTTCAAACAGCGGCAAAGCCGGCTAGAGCAGGTTGGTGCTCAGATGCCCAG-3'
Protein context (NP_001001563.2, residues 297-317): VLEHYALEDD[Pro307Leu]LAAFKQRQSR

ClinVar aggregate classification (germline): Uncertain significance (1 of 4 stars; one submission).

Allele frequency attached by ClinVar (database versions not stated): TOPMed below 0.00001.
gnomAD v4.1: 13 of 1,613,632 alleles (0.00081%); highest among the groups gnomAD compares: East Asian, 0.0067%; no homozygotes.

Submission:

Labcorp Genetics (formerly Invitae), Labcorp
Classification: Uncertain significance. Last evaluated: 2024-03-10. Review status: criteria provided, single submitter. Criteria: Invitae Variant Classification Sherloc (09022015). Collection method: clinical testing. Allele origin: germline.
Comment: This sequence change replaces proline, which is neutral and non-polar, with leucine, which is neutral and non-polar, at codon 410 of the TIMM50 protein (p.Pro410Leu). This variant is present in population databases (rs751967415, gnomAD 0.01%). This variant has not been reported in the literature in individuals affected with TIMM50-related conditions. ClinVar contains an entry for this variant (Variation ID: 1414585). An algorithm developed to predict the effect of missense changes on protein structure and function (PolyPhen-2) suggests that this variant is likely to be disruptive. In summary, the available evidence is currently insufficient to determine the role of this variant in disease. Therefore, it has been classified as a Variant of Uncertain Significance.